The following is an entry in ClinVar:

ClinVar aggregate classification (germline): Uncertain significance. Review status: criteria provided, multiple submitters, no conflicts (2 of 4 stars). 2 submissions from 2 submitters: Uncertain significance (2). Last evaluated 2024-11-03.

Conditions:
Hypertrophic cardiomyopathy 26. Also called: Cardiomyopathy, familial hypertrophic, 26. Identifiers: Orphanet 75249, MedGen C4310749, MONDO:0014883, OMIM 617047.
Myofibrillar myopathy 5. Also called: FILAMINOPATHY, AUTOSOMAL DOMINANT; Filaminopathy (type). Identifiers: Orphanet 171445, MedGen C1836050, MONDO:0012289, OMIM 609524.
Distal myopathy with posterior leg and anterior hand involvement. Also called: WILLIAMS DISTAL MYOPATHY. Identifiers: Orphanet 63273, MedGen C3279722, MONDO:0013550, OMIM 614065.

Submissions (2):

Labcorp Genetics (formerly Invitae), Labcorp
Classification: Uncertain significance for Distal myopathy with posterior leg and anterior hand involvement; Myofibrillar myopathy 5; Hypertrophic cardiomyopathy 26. Last evaluated: 2024-11-03. Review status: criteria provided, single submitter. Criteria: Invitae Variant Classification Sherloc (09022015). Collection method: clinical testing. Allele origin: germline.
Comment: This sequence change replaces threonine, which is neutral and polar, with lysine, which is basic and polar, at codon 24 of the FLNC protein (p.Thr24Lys). This variant is not present in population databases (gnomAD no frequency). This variant has not been reported in the literature in individuals affected with FLNC-related conditions. ClinVar contains an entry for this variant (Variation ID: 960857). Invitae Evidence Modeling of protein sequence and biophysical properties (such as structural, functional, and spatial information, amino acid conservation, physicochemical variation, residue mobility, and thermodynamic stability) has been performed for this missense variant. However, the output from this modeling did not meet the statistical confidence thresholds required to predict the impact of this variant on FLNC protein function. In summary, the available evidence is currently insufficient to determine the role of this variant in disease. Therefore, it has been classified as a Variant of Uncertain Significance.

Neuberg Centre For Genomic Medicine, NCGM
Classification: Uncertain significance for Myofibrillar myopathy 5. Review status: criteria provided, single submitter. Criteria: ACMG Guidelines, 2015. Collection method: clinical testing. Allele origin: germline. Inheritance: Autosomal dominant inheritance. Affected: yes.
Comment: The observed missense variant c.71C>A(p.Thr24Lys) in the FLNC gene has not been reported previously as a pathogenic variant nor as a benign variant, to our knowledge. This variant is absent in the gnomAD Exomes. This variant has been reported to the ClinVar database as Uncertain Significance. However, no details are available for independent assessment. The amino acid Thr at position 24 is changed to a Lys changing protein sequence and it might alter its composition and physico- chemical properties. Multiple lines of computational evidence (Polyphen - Probably damaging, SIFT - Damaging and MutationTaster - Disease causing) predict a damaging effect on protein structure and function for this variant. The residue is conserved by GERP++ and PhyloP across 100 vertebrates. For these reasons, this variant has been classified as Uncertain Significance.

NM_001458.5(FLNC):c.71C>A (p.Thr24Lys)

Gene: FLNC (filamin C; plus strand). Cytogenetic location: 7q32.1.
Variant type: single nucleotide variant.
Coding change: c.71C>A on transcript NM_001458.5 (MANE Select); coding-DNA position 71, C replaced by A.
Protein change: p.Thr24Lys; replaces threonine 24 with lysine.
Molecular consequence: missense variant.
Genome position (GRCh38, 1-based): chr7:128,830,708, C>A. VCF-style: chr7-128830708-C-A. GRCh37 (hg19) VCF-style: chr7-128470762-C-A.
Other names: c.71C>A, p.Thr24Lys (NM_001127487.2); short protein forms T24K.
Identifiers: ClinVar variation 960857 (VCV000960857.11), dbSNP rs1251048006, ClinGen allele CA369215598.